The following is an entry in ClinVar:

NM_002838.5(PTPRC):c.1830-3C>T

Gene: PTPRC (protein tyrosine phosphatase receptor type C; plus strand). Cytogenetic location: 1q32.1.
Variant type: single nucleotide variant.
Coding change: c.1830-3C>T on transcript NM_002838.5 (MANE Select); 3 bases into the intron before coding-DNA position 1830, C replaced by T.
Molecular consequence: intron variant.
Genome position (GRCh38, 1-based): chr1:198,729,134, C>T. VCF-style: chr1-198729134-C-T. GRCh37 (hg19) VCF-style: chr1-198698263-C-T.
Other names: c.1347-3C>T (NM_080921.4).
Identifiers: ClinVar variation 861431 (VCV000861431.6), dbSNP rs1002172116, ClinGen allele CA35897636.

ClinVar aggregate classification (germline): Uncertain significance. Review status: criteria provided, multiple submitters, no conflicts (2 of 4 stars). 2 submissions from 2 submitters: Uncertain significance (2). Last evaluated 2022-03-19.

Conditions:
Immunodeficiency 104. Also called: Severe combined immunodeficiency, autosomal recessive, T cell-negative, B cell-positive, NK cell-positive; IMMUNODEFICIENCY 104, SEVERE COMBINED; SCID, AUTOSOMAL RECESSIVE, T CELL-NEGATIVE, B CELL-POSITIVE, NK CELL-POSITIVE; Severe Combined Immune Deficiency, Autosomal Recessive, TCell -Negative, B Cell-Positive, NK Cell-Positive, IL7R-Related. Identifiers: MedGen C5676890, MONDO:0012163, OMIM 608971.

Allele frequency attached by ClinVar (database versions not stated): gnomAD 0.00001; gnomAD exomes 0.00001; TOPMed 0.00002.
gnomAD v4.1: 11 of 1,610,256 alleles (0.00068%); highest among the groups gnomAD compares: Non-Finnish European, 0.00093%; no homozygotes.

Submissions (2):

Labcorp Genetics (formerly Invitae), Labcorp
Classification: Uncertain significance for Immunodeficiency 104. Last evaluated: 2022-03-19. Review status: criteria provided, single submitter. Criteria: Invitae Variant Classification Sherloc (09022015). Collection method: clinical testing. Allele origin: germline.
Comment: This sequence change falls in intron 16 of the PTPRC gene. It does not directly change the encoded amino acid sequence of the PTPRC protein. It affects a nucleotide within the consensus splice site. This variant is present in population databases (no rsID available, gnomAD 0.002%). This variant has not been reported in the literature in individuals affected with PTPRC-related conditions. ClinVar contains an entry for this variant (Variation ID: 861431). Variants that disrupt the consensus splice site are a relatively common cause of aberrant splicing (PMID: 17576681, 9536098). Algorithms developed to predict the effect of sequence changes on RNA splicing suggest that this variant may disrupt the consensus splice site. In summary, the available evidence is currently insufficient to determine the role of this variant in disease. Therefore, it has been classified as a Variant of Uncertain Significance.

Blueprint Genetics
Classification: Uncertain significance. Last evaluated: 2019-09-26. Review status: criteria provided, single submitter. Criteria: ACMG Guidelines, 2015. Collection method: clinical testing. Allele origin: germline.

Literature cited by the submitters: PubMed 17576681 (cited by Labcorp Genetics (formerly Invitae), Labcorp); PubMed 9536098 (cited by Labcorp Genetics (formerly Invitae), Labcorp).